The following is an entry in ClinVar:

ClinVar aggregate classification (germline): Conflicting classifications of pathogenicity. Review status: criteria provided, conflicting classifications (1 of 4 stars). 2 submissions from 2 submitters: Uncertain significance (1); Likely benign (1). Last evaluated 2023-01-01.

Conditions:
Rubinstein-Taybi syndrome (RSTS). Identifiers: Orphanet 783, MedGen C0035934, MONDO:0019188.

Submissions (2):

Labcorp Genetics (formerly Invitae), Labcorp
Classification: Uncertain significance for Rubinstein-Taybi syndrome. Last evaluated: 2023-01-01. Review status: criteria provided, single submitter. Criteria: Invitae Variant Classification Sherloc (09022015). Collection method: clinical testing. Allele origin: germline.
Comment: In summary, the available evidence is currently insufficient to determine the role of this variant in disease. Therefore, it has been classified as a Variant of Uncertain Significance. Advanced modeling of protein sequence and biophysical properties (such as structural, functional, and spatial information, amino acid conservation, physicochemical variation, residue mobility, and thermodynamic stability) performed at Invitae indicates that this missense variant is expected to disrupt CREBBP protein function. This variant has not been reported in the literature in individuals affected with CREBBP-related conditions. This variant is not present in population databases (gnomAD no frequency). This sequence change replaces valine, which is neutral and non-polar, with methionine, which is neutral and non-polar, at codon 1714 of the CREBBP protein (p.Val1714Met).

Blueprint Genetics
Classification: Likely benign. Last evaluated: 2019-12-02. Review status: criteria provided, single submitter. Criteria: ACMG Guidelines, 2015. Collection method: clinical testing. Allele origin: germline.

NM_004380.3(CREBBP):c.5140G>A (p.Val1714Met)

Gene: CREBBP (CREB binding lysine acetyltransferase; minus strand). Cytogenetic location: 16p13.3.
Variant type: single nucleotide variant.
Coding change: c.5140G>A on transcript NM_004380.3 (MANE Select); coding-DNA position 5140, G replaced by A.
Protein change: p.Val1714Met; replaces valine 1714 with methionine.
Molecular consequence: missense variant.
Genome position (GRCh38, 1-based): chr16:3,731,224, C>T on the plus strand (G>A on the coding strand, the complement: CREBBP is on the minus strand). VCF-style: chr16-3731224-C-T. GRCh37 (hg19) VCF-style: chr16-3781225-C-T.
Other names: c.5026G>A, p.Val1676Met (NM_001079846.1); short protein forms V1676M, V1714M.
Identifiers: ClinVar variation 2794112 (VCV002794112.4), dbSNP rs2151315977, ClinGen allele CA394558109.
Genomic context (GRCh38, chr16:3,731,224, plus strand): 5'-TGGGGGTGGGGGTGGGGGCAGGGCCTACCTCGCACACAGTGCAGTGCCAGCGCGTCTCCA[C>T]GTGGTGCTTGCACTCGTTGCAGGTGTAGACAAAGCGGTCCTGGCCCTGGGTGTGCAGCTC-3'
Protein context (NP_004371.2, residues 1704-1724): VYTCNECKHH[Val1714Met]ETRWHCTVCE